The following is an entry in ClinVar:

ClinVar aggregate classification (germline): Likely pathogenic (1 of 4 stars; one submission).

Conditions:
Inborn genetic diseases. Identifiers: MedGen C0950123, MeSH D030342.

Submission:

Ambry Genetics
Classification: Likely pathogenic for Inborn genetic diseases. Last evaluated: 2026-04-03. Review status: criteria provided, single submitter. Criteria: Ambry Variant Classification Scheme 2023. Collection method: clinical testing. Allele origin: germline.
Comment: The p.K548* variant (also known as c.1642A>T), located in coding exon 7 of the MBD4 gene, results from an A to T substitution at nucleotide position 1642. This changes the amino acid from a lysine to a stop codon within coding exon 7. This variant occurs at the 3' terminus of the gene, is not expected to trigger nonsense-mediated mRNA decay, and impacts the last 5% of the protein. However, premature stop codons are typically deleterious in nature and the impacted region is critical for protein function (Ambry internal data). This variant is considered to be rare based on population cohorts in the Genome Aggregation Database (gnomAD). Based on the majority of available evidence to date, this variant is likely to be pathogenic.

NM_001276270.2(MBD4):c.1642A>T (p.Lys548Ter)

Gene: MBD4 (methyl-CpG binding domain 4, DNA glycosylase; minus strand). Cytogenetic location: 3q21.3.
Variant type: single nucleotide variant.
Coding change: c.1642A>T on transcript NM_001276270.2 (MANE Select); coding-DNA position 1642, A replaced by T.
Protein change: p.Lys548Ter; replaces lysine 548 with a stop codon.
Molecular consequence: nonsense. On other transcripts: intron variant (1).
Genome position (GRCh38, 1-based): chr3:129,432,508, T>A on the plus strand (A>T on the coding strand, the complement: MBD4 is on the minus strand). VCF-style: chr3-129432508-T-A. GRCh37 (hg19) VCF-style: chr3-129151351-T-A.
Other names: c.1660A>T, p.Lys554Ter (NM_001276271.2, NM_003925.3); c.706A>T, p.Lys236Ter (NM_001276273.2); c.1612+48A>T (NM_001276272.2); short protein forms K236*, K548*, K554*.
Identifiers: ClinVar variation 4859573 (VCV004859573.1).